The following is an entry in ClinVar:

NM_058246.4(DNAJB6):c.961T>C (p.Ser321Pro)

Gene: DNAJB6 (DnaJ heat shock protein family (Hsp40) member B6; plus strand). Cytogenetic location: 7q36.3.
Variant type: single nucleotide variant.
Coding change: c.961T>C on transcript NM_058246.4 (MANE Select); coding-DNA position 961, T replaced by C.
Protein change: p.Ser321Pro; replaces serine 321 with proline.
Molecular consequence: missense variant.
Genome position (GRCh38, 1-based): chr7:157,416,078, T>C. VCF-style: chr7-157416078-T-C. GRCh37 (hg19) VCF-style: chr7-157208772-T-C.
Other names: c.616T>C, p.Ser206Pro (NM_001363676.1); short protein forms S321P, S206P.
Identifiers: ClinVar variation 281947 (VCV000281947.30), dbSNP rs147168661, ClinGen allele CA4590681.

ClinVar aggregate classification (germline): Benign/Likely benign. Review status: criteria provided, multiple submitters, no conflicts (2 of 4 stars). 5 submissions from 5 submitters: Benign (3); Likely benign (2). Last evaluated 2026-01-26.

Conditions:
Autosomal dominant limb-girdle muscular dystrophy type 1D (DNAJB6) (LGMDD1). Also called: MUSCULAR DYSTROPHY, LIMB-GIRDLE, TYPE 1D; MUSCULAR DYSTROPHY, AUTOSOMAL DOMINANT, WITH RIMMED VACUOLES; Autosomal dominant limb-girdle muscular dystrophy type 1D; Muscular dystrophy, limb-girdle, autosomal dominant 1. Identifiers: Orphanet 34516, MedGen C4721885, MONDO:0021018, OMIM 603511.

Allele frequency attached by ClinVar (database versions not stated): gnomAD exomes 0.00016 and 0.00038; ExAC 0.00049; 1000 Genomes Project 30x 0.00125; 1000 Genomes Project 0.00140; gnomAD 0.00146 and 0.00159; TOPMed 0.00174; ESP Exome Variant Server 0.00200.
gnomAD v4.1: 462 of 1,613,910 alleles (0.029%); highest among the groups gnomAD compares: African/African-American, 0.55%; 1 homozygote.

Submissions (5):

Labcorp Genetics (formerly Invitae), Labcorp
Classification: Likely benign for Autosomal dominant limb-girdle muscular dystrophy type 1D (DNAJB6). Last evaluated: 2026-01-26. Review status: criteria provided, single submitter. Criteria: Invitae Variant Classification Sherloc (09022015). Collection method: clinical testing. Allele origin: germline.

CeGaT Center for Human Genetics Tuebingen
Classification: Benign. Last evaluated: 2025-07-01. Review status: criteria provided, single submitter. Criteria: CeGaT Center For Human Genetics Tuebingen Variant Classification Criteria Version 2. Collection method: clinical testing. Allele origin: germline. Affected: yes. Observed: 1 variant allele.
Comment: DNAJB6: BP4, BS1, BS2

GeneDx
Classification: Benign. Last evaluated: 2019-09-24. Review status: criteria provided, single submitter. Criteria: GeneDx Variant Classification Process June 2021. Collection method: clinical testing. Allele origin: germline. Affected: yes.

Athena Diagnostics
Classification: Benign. Last evaluated: 2018-03-21. Review status: criteria provided, single submitter. Criteria: Athena Diagnostics Criteria. Collection method: clinical testing. Allele origin: germline.

Eurofins Ntd Llc (ga)
Classification: Likely benign. Last evaluated: 2015-07-14. Review status: criteria provided, single submitter. Criteria: EGL Classification Definitions 2015. Collection method: clinical testing. Allele origin: germline. Observed: 1 variant allele, 1 heterozygote.